The following is an entry in ClinVar:

ClinVar aggregate classification (germline): Conflicting classifications of pathogenicity. Review status: criteria provided, conflicting classifications (1 of 4 stars). 7 submissions from 7 submitters: Uncertain significance (1); Benign (3); Likely benign (3). Last evaluated 2025-05-01.

Conditions:
Familial thoracic aortic aneurysm and aortic dissection (TAAD). Also called: Thoracic aortic aneurysms and dissections. Identifiers: Orphanet 91387, MedGen C4707243, MONDO:0019625.
Arterial tortuosity syndrome (ATORS). Identifiers: Orphanet 3342, MedGen C1859726, MONDO:0008818, OMIM 208050.

Allele frequency attached by ClinVar (database versions not stated): 1000 Genomes Project 0.00060; ExAC 0.00097; ESP Exome Variant Server 0.00103; 1000 Genomes Project 30x 0.00109; gnomAD exomes 0.00135 and 0.00182; gnomAD 0.00164 and 0.00166; TOPMed 0.00185.

Submissions (7):

CeGaT Center for Human Genetics Tuebingen
Classification: Likely benign. Last evaluated: 2025-05-01. Review status: criteria provided, single submitter. Criteria: CeGaT Center For Human Genetics Tuebingen Variant Classification Criteria Version 2. Collection method: clinical testing. Allele origin: germline. Affected: yes. Observed: 4 variant alleles.
Comment: SLC2A10: BS2

Blueprint Genetics
Classification: Likely benign. Last evaluated: 2024-11-20. Review status: criteria provided, single submitter. Criteria: ACMG Guidelines, 2015. Collection method: clinical testing. Allele origin: germline.

Women's Health and Genetics/Laboratory Corporation of America, LabCorp
Classification: Benign. Last evaluated: 2024-04-30. Review status: criteria provided, single submitter. Criteria: LabCorp Variant Classification Summary - May 2015. Collection method: clinical testing. Allele origin: germline.
Comment: Variant summary: SLC2A10 c.-15C>T is located in the untranslated mRNA region upstream of the initiation codon. Consensus agreement among computation tools predict no significant impact on normal splicing. However, these predictions have yet to be confirmed by functional studies. The variant allele was found at a frequency of 0.0018 in 1545498 control chromosomes in the gnomAD database (v4.1 dataset), including 7 homozygotes. The observed variant frequency is approximately 1.14 fold of the estimated maximal expected allele frequency for a pathogenic variant in SLC2A10 causing Arterial Tortuosity Syndrome phenotype (0.0016), strongly suggesting that the variant is benign. To our knowledge, no occurrence of c.-15C>T in individuals affected with Arterial Tortuosity Syndrome and no experimental evidence demonstrating its impact on protein function have been reported. ClinVar contains an entry for this variant (Variation ID: 139185). Based on the evidence outlined above, the variant was classified as benign.

CHEO Genetics Diagnostic Laboratory, Children's Hospital of Eastern Ontario
Classification: Benign for Familial thoracic aortic aneurysm and aortic dissection. Last evaluated: 2019-09-26. Review status: criteria provided, single submitter. Criteria: ACMG Guidelines, 2015. Collection method: clinical testing. Allele origin: germline.

Illumina Laboratory Services, Illumina
Classification: Uncertain significance for Arterial tortuosity syndrome. Last evaluated: 2018-01-13. Review status: criteria provided, single submitter. Criteria: ICSL Variant Classification Criteria 13 December 2019. Collection method: clinical testing. Allele origin: germline.

GeneDx
Classification: Benign. Last evaluated: 2014-01-11. Review status: criteria provided, single submitter. Criteria: GeneDx Variant Classification (06012015). Collection method: clinical testing. Allele origin: germline. Affected: yes.
Comment: This variant is considered likely benign or benign based on one or more of the following criteria: it is a conservative change, it occurs at a poorly conserved position in the protein, it is predicted to be benign by multiple in silico algorithms, and/or has population frequency not consistent with disease.

PreventionGenetics, part of Exact Sciences
Classification: Likely benign. Review status: criteria provided, single submitter. Criteria: ACMG Guidelines, 2015. Collection method: clinical testing. Allele origin: germline.

NM_030777.4(SLC2A10):c.-15C>T

Gene: SLC2A10 (solute carrier family 2 member 10; plus strand). Cytogenetic location: 20q13.12.
Variant type: single nucleotide variant.
Coding change: c.-15C>T on transcript NM_030777.4 (MANE Select); 15 bases upstream of the start codon, C replaced by T.
Molecular consequence: 5 prime UTR variant.
Genome position (GRCh38, 1-based): chr20:46,709,722, C>T. VCF-style: chr20-46709722-C-T. GRCh37 (hg19) VCF-style: chr20-45338361-C-T.
Identifiers: ClinVar variation 139185 (VCV000139185.39), dbSNP rs377142129, ClinGen allele CA293568.
Genomic context (GRCh38, chr20:46,709,722, plus strand): 5'-GGCGTTGGGGACTCCGGCGGGGGATGCGCGCCCGGCCCCTCAGCGCCCCCAGCACGCCGC[C>T]GAGTCCCGCTCGCCATGGGTAAGTCCCGATCGGGCGCTGCCTGCTGGAAGCCCGACCCCT-3'